The following is an entry in ClinVar:

NM_001276345.2(TNNT2):c.720-6G>T

Gene: TNNT2 (troponin T2, cardiac type; minus strand). Cytogenetic location: 1q32.1.
Variant type: single nucleotide variant.
Coding change: c.720-6G>T on transcript NM_001276345.2 (MANE Select); 6 bases into the intron before coding-DNA position 720, G replaced by T.
Molecular consequence: intron variant.
Genome position (GRCh38, 1-based): chr1:201,361,375, C>A on the plus strand (G>T on the coding strand, the complement: TNNT2 is on the minus strand). VCF-style: chr1-201361375-C-A. GRCh37 (hg19) VCF-style: chr1-201330503-C-A.
Other names: c.672-6G>T (NM_001001432.3); c.681-6G>T (NM_001001431.3); c.690-6G>T (NM_001001430.3, NM_001276347.2); c.591-6G>T (NM_001276346.2); c.711-6G>T (NM_000364.4).
Identifiers: ClinVar variation 755790 (VCV000755790.15), dbSNP rs113471285, ClinGen allele CA915941973.

ClinVar aggregate classification (germline): Likely benign. Review status: criteria provided, multiple submitters, no conflicts (2 of 4 stars). 6 submissions from 4 submitters: Likely benign (6). Last evaluated 2024-05-14.

Conditions:
Cardiomyopathy, familial restrictive, 3. Identifiers: Orphanet 75249, MedGen C2676271, MONDO:0012900, OMIM 612422.
Dilated cardiomyopathy 1D. Identifiers: Orphanet 154, Orphanet 54260, MedGen C1832243, MONDO:0011095, OMIM 601494.
Hypertrophic cardiomyopathy 2. Also called: TNNT2-Related Familial Hypertrophic Cardiomyopathy. Identifiers: MedGen C1861864, MONDO:0007266, OMIM 115195.
Cardiomyopathy (CMYO). Also called: Cardiomyopathies. Identifiers: Orphanet 167848, MedGen C0878544, MONDO:0004994, HP:0001638. Inheritance: Various modes of inheritance.

Submissions (6):

All of Us Research Program, National Institutes of Health
Classification: Likely benign for Cardiomyopathy. Last evaluated: 2024-05-14. Review status: criteria provided, single submitter. Criteria: ACMG Guidelines, 2015. Collection method: clinical testing. Allele origin: germline. Inheritance: Autosomal dominant inheritance. Observed: 2 variant alleles, 2 heterozygotes.
Comment: This study involves interpretation of variants in research participants for the purpose of population health screening. Participant phenotype was not available at the time of variant classification. Additional details can be found in publication PMID: 35346344, PMCID: PMC8962531

Genome-Nilou Lab
Classification: Likely benign for Dilated cardiomyopathy 1D. Last evaluated: 2023-04-11. Review status: criteria provided, single submitter. Criteria: ACMG Guidelines, 2015. Collection method: clinical testing. Allele origin: germline. Affected: no.

Genome-Nilou Lab
Classification: Likely benign for Cardiomyopathy, familial restrictive, 3. Last evaluated: 2023-04-11. Review status: criteria provided, single submitter. Criteria: ACMG Guidelines, 2015. Collection method: clinical testing. Allele origin: germline. Affected: no.

Genome-Nilou Lab
Classification: Likely benign for Hypertrophic cardiomyopathy 2. Last evaluated: 2023-04-11. Review status: criteria provided, single submitter. Criteria: ACMG Guidelines, 2015. Collection method: clinical testing. Allele origin: germline. Affected: no.

Color Diagnostics, LLC DBA Color Health
Classification: Likely benign for Cardiomyopathy. Last evaluated: 2021-08-09. Review status: criteria provided, single submitter. Criteria: ACMG Guidelines, 2015. Collection method: clinical testing. Allele origin: germline.

Labcorp Genetics (formerly Invitae), Labcorp
Classification: Likely benign for Cardiomyopathy, familial restrictive, 3; Hypertrophic cardiomyopathy 2; Dilated cardiomyopathy 1D. Last evaluated: 2018-04-19. Review status: criteria provided, single submitter. Criteria: Invitae Variant Classification Sherloc (09022015). Collection method: clinical testing. Allele origin: germline.